The following is an entry in ClinVar:

ClinVar aggregate classification (germline): Benign. Review status: criteria provided, multiple submitters, no conflicts (2 of 4 stars). 5 submissions from 4 submitters: Benign (5). Last evaluated 2024-01-24.

Conditions:
Dyskeratosis congenita, autosomal recessive 5 (DKCB5). Identifiers: MedGen C3554656, MONDO:0014076, OMIM 615190.
Pulmonary fibrosis and/or bone marrow failure, Telomere-related, 3. Also called: PULMONARY FIBROSIS AND/OR BONE MARROW FAILURE SYNDROME, TELOMERE-RELATED, 3. Identifiers: Orphanet 2032, MedGen C4225346, MONDO:0014613, OMIM 616373.

Allele frequency attached by ClinVar (database versions not stated): 1000 Genomes Project 0.72165; TOPMed 0.80616; 1000 Genomes Project 30x 0.72986; ESP Exome Variant Server 0.82964.
gnomAD v4.1: 1,226,525 of 1,608,624 alleles (76%); highest among the groups gnomAD compares: African/African-American, 94%; 474,651 homozygotes.

Submissions (5):

Unidad de Genómica Garrahan, Hospital de Pediatría Garrahan
Classification: Benign. Last evaluated: 2024-01-24. Review status: criteria provided, single submitter. Criteria: ACMG Guidelines, 2015. Collection method: clinical testing. Allele origin: germline. Affected: no. Observed: 85 variant alleles.
Comment: This variant is classified as Benign based on local population frequency. This variant was detected in 89% of patients studied by a panel of primary immunodeficiencies. Number of patients: 85. Only high quality variants are reported.

Genome-Nilou Lab
Classification: Benign for Dyskeratosis congenita, autosomal recessive 5. Last evaluated: 2021-07-10. Review status: criteria provided, single submitter. Criteria: ACMG Guidelines, 2015. Collection method: clinical testing. Allele origin: germline. Affected: no.

Genome-Nilou Lab
Classification: Benign for Pulmonary fibrosis and/or bone marrow failure, Telomere-related, 3. Last evaluated: 2021-07-10. Review status: criteria provided, single submitter. Criteria: ACMG Guidelines, 2015. Collection method: clinical testing. Allele origin: germline. Affected: no.

GeneDx
Classification: Benign. Last evaluated: 2019-03-31. Review status: criteria provided, single submitter. Criteria: GeneDx Variant Classification Process June 2021. Collection method: clinical testing. Allele origin: germline. Affected: yes.

Breakthrough Genomics
Classification: Benign. Review status: criteria provided, single submitter. Criteria: ACMG Guidelines, 2015. Collection method: not provided. Allele origin: germline. Inheritance: Autosomal recessive inheritance. Affected: yes.

NM_001283009.2(RTEL1):c.1637-50A>C

Genes: RTEL1 (regulator of telomere elongation helicase 1; plus strand), RTEL1-TNFRSF6B (RTEL1-TNFRSF6B readthrough (NMD candidate); plus strand). Cytogenetic location: 20q13.33.
Variant type: single nucleotide variant.
Coding change: c.1637-50A>C on transcript NM_001283009.2 (MANE Select); 50 bases into the intron before coding-DNA position 1637, A replaced by C.
Molecular consequence: intron variant.
Genome position (GRCh38, 1-based): chr20:63,688,251, A>C. VCF-style: chr20-63688251-A-C. GRCh37 (hg19) VCF-style: chr20-62319604-A-C.
Other names: c.968-50A>C (NM_001283010.1); c.1709-50A>C (NM_032957.5); c.1637-50A>C (NM_016434.4).
Identifiers: ClinVar variation 1184749 (VCV001184749.8), dbSNP rs2777941, ClinGen allele CA9964891.